The following is an entry in ClinVar:

NM_174936.4(PCSK9):c.1475G>C (p.Ser492Thr)

Gene: PCSK9 (proprotein convertase subtilisin/kexin type 9; plus strand). Cytogenetic location: 1p32.3.
Variant type: single nucleotide variant.
Coding change: c.1475G>C on transcript NM_174936.4 (MANE Select); coding-DNA position 1475, G replaced by C.
Protein change: p.Ser492Thr; replaces serine 492 with threonine.
Molecular consequence: missense variant.
Genome position (GRCh38, 1-based): chr1:55,058,619, G>C. VCF-style: chr1-55058619-G-C. GRCh37 (hg19) VCF-style: chr1-55524292-G-C.
Other names: c.1598G>C, p.Ser533Thr (NM_001407240.1); c.1475G>C, p.Ser492Thr (NM_001407241.1); c.1478G>C, p.Ser493Thr (NM_001407242.1); c.1418G>C, p.Ser473Thr (NM_001407243.1); c.1301G>C, p.Ser434Thr (NM_001407244.1); c.1283G>C, p.Ser428Thr (NM_001407245.1); c.1100G>C, p.Ser367Thr (NM_001407246.1); short protein forms S492T, S367T, S428T, S473T, S533T, S493T, S434T.
Identifiers: ClinVar variation 632935 (VCV000632935.8), dbSNP rs537114569, ClinGen allele CA037109.
Genomic context (GRCh38, chr1:55,058,619, plus strand): 5'-CAGCCGTCGCCCGCTGCGCCCCAGATGAGGAGCTGCTGAGCTGCTCCAGTTTCTCCAGGA[G>C]TGGGAAGCGGCGGGGCGAGCGCATGGAGGTGACTGTACCCCTCCTTCGTGTGTGTGTGTG-3'
Protein context (NP_777596.2, residues 482-502): ELLSCSSFSR[Ser492Thr]GKRRGERMEA

ClinVar aggregate classification (germline): Uncertain significance. Review status: criteria provided, multiple submitters, no conflicts (2 of 4 stars). 4 submissions from 4 submitters: Uncertain significance (4). Last evaluated 2025-04-12.

Conditions:
Hypercholesterolemia, autosomal dominant, 3 (FHCL3). Also called: Familial Hypercholesterolemia, Autosomal Dominant, 3; PCSK9-Related Familial Hypercholesterolemia, Autosomal Dominant; Familial hypercholesterolemia 3. Identifiers: MedGen C1863551, MONDO:0011369, OMIM 603776.
Cardiovascular phenotype. Identifiers: MedGen CN230736.

Allele frequency attached by ClinVar (database versions not stated): gnomAD exomes below 0.00001 and 0.00001; gnomAD 0.00001; ExAC 0.00002; TOPMed 0.00003; 1000 Genomes Project 30x 0.00016; 1000 Genomes Project 0.00020.
gnomAD v4.1: 6 of 1,611,762 alleles (0.00037%); highest among the groups gnomAD compares: African/African-American, 0.008%; no homozygotes.

Submissions (4):

Ambry Genetics
Classification: Uncertain significance for Cardiovascular phenotype. Last evaluated: 2025-04-12. Review status: criteria provided, single submitter. Criteria: Ambry Variant Classification Scheme 2023. Collection method: clinical testing. Allele origin: germline.

Labcorp Genetics (formerly Invitae), Labcorp
Classification: Uncertain significance for Hypercholesterolemia, autosomal dominant, 3. Last evaluated: 2024-11-18. Review status: criteria provided, single submitter. Criteria: Invitae Variant Classification Sherloc (09022015). Collection method: clinical testing. Allele origin: germline.
Comment: This sequence change replaces serine, which is neutral and polar, with threonine, which is neutral and polar, at codon 492 of the PCSK9 protein (p.Ser492Thr). This variant is present in population databases (rs537114569, gnomAD 0.02%). This variant has not been reported in the literature in individuals affected with PCSK9-related conditions. ClinVar contains an entry for this variant (Variation ID: 632935). Invitae Evidence Modeling of protein sequence and biophysical properties (such as structural, functional, and spatial information, amino acid conservation, physicochemical variation, residue mobility, and thermodynamic stability) indicates that this missense variant is not expected to disrupt PCSK9 protein function with a negative predictive value of 80%. In summary, the available evidence is currently insufficient to determine the role of this variant in disease. Therefore, it has been classified as a Variant of Uncertain Significance.

All of Us Research Program, National Institutes of Health
Classification: Uncertain significance for Hypercholesterolemia, autosomal dominant, 3. Last evaluated: 2023-12-01. Review status: criteria provided, single submitter. Criteria: ACMG Guidelines, 2015. Collection method: clinical testing. Allele origin: germline. Inheritance: Autosomal dominant inheritance. Observed: 1 variant allele, 1 heterozygote.
Comment: This study involves interpretation of variants in research participants for the purpose of population health screening. Participant phenotype was not available at the time of variant classification. Additional details can be found in publication PMID: 35346344, PMCID: PMC8962531

Women's Health and Genetics/Laboratory Corporation of America, LabCorp
Classification: Uncertain significance. Last evaluated: 2017-10-24. Review status: criteria provided, single submitter. Criteria: LabCorp Variant Classification Summary - May 2015. Collection method: clinical testing. Allele origin: germline.
Comment: Variant summary: The PCSK9 c.1475G>C (p.Ser492Thr) variant is causing a missense change involving the alteration of a non-conserved nucleotide. 4/4 in silico tools predict a benign outcome for this variant (SNPsandGO not captured due to low reliability index). This variant was found in 3/245402 control chromosomes (gnomAD) at a frequency of 0.0000122, which does not exceed the estimated maximal expected allele frequency of a pathogenic PCSK9 variant (0.0000938). The variant of interest has not, to our knowledge, been reported in affected individuals via publications and/or reputable databases/clinical diagnostic laboratories; nor evaluated for functional impact by in vivo/vitro studies. Because of the absence of clinical information and the lack of functional studies, the variant is classified as a variant of uncertain significance (VUS).